The following is an entry in ClinVar:

NM_000152.5(GAA):c.955G>A (p.Asp319Asn)

Gene: GAA (alpha glucosidase; plus strand). Cytogenetic location: 17q25.3.
Variant type: single nucleotide variant.
Coding change: c.955G>A on transcript NM_000152.5 (MANE Select); coding-DNA position 955, G replaced by A.
Protein change: p.Asp319Asn; replaces aspartic acid 319 with asparagine.
Molecular consequence: missense variant.
Genome position (GRCh38, 1-based): chr17:80,107,896, G>A. VCF-style: chr17-80107896-G-A. GRCh37 (hg19) VCF-style: chr17-78081695-G-A.
Other names: c.955G>A, p.Asp319Asn (NM_001079803.3, NM_001079804.3); short protein forms D319N.
Identifiers: ClinVar variation 1010798 (VCV001010798.9), dbSNP rs1359009455, ClinGen allele CA401364287.

ClinVar aggregate classification (germline): Uncertain significance. Review status: criteria provided, single submitter (1 of 4 stars). 2 submissions from 2 submitters: Uncertain significance (1). 1 of the submissions does not count toward it. Last evaluated 2022-07-20.

Conditions:
Glycogen storage disease, type II (IOPD). Also called: Pompe Disease; CARDIOMEGALIA GLYCOGENICA DIFFUSA; Glycogen storage disease type 2; Acid maltase deficiency disease; Aglucosidase alfa; Deficiency of alpha-glucosidase. Identifiers: Orphanet 365, MedGen C0017921, MONDO:0009290, OMIM 232300.

Allele frequency attached by ClinVar (database versions not stated): TOPMed below 0.00001.

Submissions (2):

Labcorp Genetics (formerly Invitae), Labcorp
Classification: Uncertain significance for Glycogen storage disease, type II. Last evaluated: 2022-07-20. Review status: criteria provided, single submitter. Criteria: Invitae Variant Classification Sherloc (09022015). Collection method: clinical testing. Allele origin: germline.
Comment: In summary, the available evidence is currently insufficient to determine the role of this variant in disease. Therefore, it has been classified as a Variant of Uncertain Significance. Variants that disrupt the consensus splice site are a relatively common cause of aberrant splicing (PMID: 17576681, 9536098). Algorithms developed to predict the effect of sequence changes on RNA splicing suggest that this variant may create or strengthen a splice site. Algorithms developed to predict the effect of missense changes on protein structure and function are either unavailable or do not agree on the potential impact of this missense change (SIFT: "Tolerated"; PolyPhen-2: "Probably Damaging"; Align-GVGD: "Class C0"). ClinVar contains an entry for this variant (Variation ID: 1010798). This variant has not been reported in the literature in individuals affected with GAA-related conditions. This variant is not present in population databases (gnomAD no frequency). This sequence change replaces aspartic acid, which is acidic and polar, with asparagine, which is neutral and polar, at codon 319 of the GAA protein (p.Asp319Asn). This variant also falls at the last nucleotide of exon 5, which is part of the consensus splice site for this exon.

Natera, Inc.
Classification: Uncertain significance for Glycogen storage disease type II. Last evaluated: 2020-06-18. Review status: no assertion criteria provided. Collection method: clinical testing. Allele origin: germline. Not counted in ClinVar's aggregate classification.

Literature cited by the submitters: PubMed 17576681 (cited by Labcorp Genetics (formerly Invitae), Labcorp); PubMed 9536098 (cited by Labcorp Genetics (formerly Invitae), Labcorp).